The following is an entry in ClinVar:

NM_000138.5(FBN1):c.5885A>G (p.Tyr1962Cys)

Gene: FBN1 (fibrillin 1; minus strand). Cytogenetic location: 15q21.1.
Variant type: single nucleotide variant.
Coding change: c.5885A>G on transcript NM_000138.5 (MANE Select); coding-DNA position 5885, A replaced by G.
Protein change: p.Tyr1962Cys; replaces tyrosine 1962 with cysteine.
Molecular consequence: missense variant.
Genome position (GRCh38, 1-based): chr15:48,445,408, T>C on the plus strand (A>G on the coding strand, the complement: FBN1 is on the minus strand). VCF-style: chr15-48445408-T-C. GRCh37 (hg19) VCF-style: chr15-48737605-T-C.
Other names: NM_000138.5(FBN1):c.5885A>G; p.Tyr1962Cys; short protein forms Y1962C.
Identifiers: ClinVar variation 570737 (VCV000570737.17), dbSNP rs1346043320, ClinGen allele CA392339987.

ClinVar aggregate classification (germline): Likely pathogenic. Review status: reviewed by expert panel (3 of 4 stars). 9 submissions from 9 submitters: Likely pathogenic (1). 8 of the submissions do not count toward it. Last evaluated 2024-02-22.

Conditions:
Familial thoracic aortic aneurysm and aortic dissection (TAAD). Also called: Thoracic aortic aneurysms and dissections. Identifiers: Orphanet 91387, MedGen C4707243, MONDO:0019625.
Weill-Marchesani syndrome 2, dominant. Also called: Weill-Marchesani Syndrome, Autosomal Dominant; FBN1-Related Weill-Marchesani Syndrome. Identifiers: Orphanet 2084, MedGen C1869115, MONDO:0012013, OMIM 608328.
Marfan Syndrome/Loeys-Dietz Syndrome/Familial Thoracic Aortic Aneurysms and Dissections. Identifiers: MedGen CN229799.
Marfan syndrome (MFS). Also called: FBN1-Related Marfan Syndrome; Marfan syndrome type 1; Marfan's syndrome; Marfan syndrome, classic; MARFAN SYNDROME, TYPE I. Identifiers: Orphanet 284963, Orphanet 558, MedGen C0024796, MONDO:0007947, OMIM 154700.
FBN1-related disorder. Also called: FBN1-related disorders.

gnomAD v4.1: 3 of 1,612,800 alleles (0.00019%); highest among the groups gnomAD compares: Non-Finnish European, 0.00017%; no homozygotes.

Submissions (9):

ClinGen FBN1 Variant Curation Expert Panel, ClinGen
Classification: Likely pathogenic for Marfan syndrome. Last evaluated: 2024-02-22. Review status: reviewed by expert panel. Criteria: Assertion Criteria VCEP FBN1 Version 1. Collection method: curation. Allele origin: germline. Inheritance: Autosomal dominant inheritance.
Comment: The NM_00138 c.5885A>G is a missense variant in FBN1 predicted to cause a substitution of a tyrosine by cysteine at amino acid 1962 (p.Tyr1962Cys) within a calcium binding EGF-like domain of the protein (PM1). This variant was found in a proband diagnosed who met revised Ghent criteria, which is a highly specific phenotype for Marfan syndrome (MFS) (PMID 27112580, PP4). This variant has been reported four times in ClinVar: once as likely pathogenic and three times as uncertain significance (Variation ID: 570737). At least two other probands with clinical features of MFS carry the same variant (PMID 33483583, Invitae ClinVar, PS4_Sup). This variant is not present in gnomAD (PM2_sup). Computational prediction tools and conservation analysis suggest that this variant may impact the protein (REVEL: 0.972, PP3). The constraint z-score for missense variants affecting FBN1 is 5.06 (PP2). In summary, this variant meets criteria to be classified as likely pathogenic for Marfan syndrome based on the ACMG/AMP criteria applied, as specified by the ClinGen FBN1 VCEP: PM1, PS4_Sup, PM2_Sup, PP2, PP3, PP4

GeneDx
Classification: Likely pathogenic. Last evaluated: 2026-05-15. Review status: criteria provided, single submitter. Criteria: GeneDx Variant Classification Process June 2021. Collection method: clinical testing. Allele origin: germline. Not counted in ClinVar's aggregate classification.
Comment: In silico analysis supports that this missense variant has a deleterious effect on protein structure/function; Not observed at significant frequency in large population cohorts (gnomAD); Introduces a new cysteine residue within an EGF-like domain of the FBN1 gene, which may affect disulfide bonding and is predicted to alter the structure and function of the protein; cysteine substitutions in the EGF-like domains represent the majority of pathogenic missense changes associated with FBN1-related disorders (PMID: 12938084); Identified in patients with clinical features of Marfan syndrome or FBN1-related disorders in published literature (PMID: 33483584, 27112580); This variant is associated with the following publications: (PMID: 33483584, 12938084, 27112580)

Ambry Genetics
Classification: Likely pathogenic for Familial thoracic aortic aneurysm and aortic dissection. Last evaluated: 2026-02-04. Review status: criteria provided, single submitter. Criteria: Ambry Variant Classification Scheme 2023. Collection method: clinical testing. Allele origin: germline. Not counted in ClinVar's aggregate classification.
Comment: The p.Y1962C variant (also known as c.5885A>G), located in coding exon 47 of the FBN1 gene, results from an A to G substitution at nucleotide position 5885. The tyrosine at codon 1962 is replaced by cysteine, an amino acid with highly dissimilar properties. This variant was reported in individual(s) with features consistent with Marfan syndrome (Somers AE et al. Am J Med Genet A, 2016 Jul;170:1786-90; Gezdirici A et al. J Hum Genet, 2021 Jul;66:647-657; Ambry internal data). The majority of FBN1 mutations identified to date have involved the substitution or generation of cysteine residues within cbEGF domains (Vollbrandt T et al. J Biol Chem. 2004;279(31):32924-32931). This amino acid position is highly conserved in available vertebrate species. In addition, this alteration is predicted to be deleterious by in silico analysis. This variant is considered to be rare based on population cohorts in the Genome Aggregation Database (gnomAD). Based on the majority of available evidence to date, this variant is likely to be pathogenic.

Color Diagnostics, LLC DBA Color Health
Classification: Likely pathogenic for Familial thoracic aortic aneurysm and aortic dissection. Last evaluated: 2025-08-04. Review status: criteria provided, single submitter. Criteria: ACMG Guidelines, 2015. Collection method: clinical testing. Allele origin: germline. Not counted in ClinVar's aggregate classification.
Comment: This missense variant replaces tyrosine with cysteine at codon 1962 of the FBN1 protein. This variant results in the alteration of a cbEGF interdomain-packing tyrosine residue into a new cysteine residue and is expected to adversely affect FBN1 protein function (PMID: 31227806). Computational prediction suggests that this variant may have deleterious impact on protein structure and function. To our knowledge, functional studies have not been reported for this variant. This variant has been reported in individuals affected with Marfan syndrome (PMID: 27112580, 33483584). This variant has not been identified in the general population by the Genome Aggregation Database (gnomAD). The available evidence is insufficient to determine the role of this variant in disease conclusively. Based on the available evidence, this variant is classified as Likely Pathogenic.

Labcorp Genetics (formerly Invitae), Labcorp
Classification: Uncertain significance for Marfan syndrome; Familial thoracic aortic aneurysm and aortic dissection. Last evaluated: 2024-12-26. Review status: criteria provided, single submitter. Criteria: Invitae Variant Classification Sherloc (09022015). Collection method: clinical testing. Allele origin: germline. Not counted in ClinVar's aggregate classification.
Comment: This sequence change replaces tyrosine, which is neutral and polar, with cysteine, which is neutral and slightly polar, at codon 1962 of the FBN1 protein (p.Tyr1962Cys). This variant is not present in population databases (gnomAD no frequency). This missense change has been observed in individuals with Marfan syndrome (PMID: 27112580; internal data). ClinVar contains an entry for this variant (Variation ID: 570737). Invitae Evidence Modeling of protein sequence and biophysical properties (such as structural, functional, and spatial information, amino acid conservation, physicochemical variation, residue mobility, and thermodynamic stability) indicates that this missense variant is expected to disrupt FBN1 protein function with a positive predictive value of 95%. In summary, the available evidence is currently insufficient to determine the role of this variant in disease. Therefore, it has been classified as a Variant of Uncertain Significance.

All of Us Research Program, National Institutes of Health
Classification: Likely pathogenic for Marfan syndrome. Last evaluated: 2024-07-29. Review status: criteria provided, single submitter. Criteria: ACMG Guidelines, 2015. Collection method: clinical testing. Allele origin: germline. Inheritance: Autosomal dominant inheritance. Observed: 1 variant allele, 1 heterozygote. Not counted in ClinVar's aggregate classification.
Comment: This missense variant replaces tyrosine with cysteine at codon 1962 of the FBN1 protein. This variant has been reported in multiple individuals with Marfan syndrome (PMID: 27112580, 33483584, 27112580, 33483583). These individual's features are highly specific for a diagnosis of Marfan syndrome. This variant is located in a well-established functional domain of the protein where other pathogenic or likely pathogenic variants have been described. This variant is absent from or rare in large population databases, including the Genome Aggregation Database. This gene has fewer missense variants in the general population than expected, which suggests that this gene is intolerant to missense variation. This variant is predicted to be deleterious by in silico analysis.

This study involves interpretation of variants in research participants for the purpose of population health screening. Participant phenotype was not available at the time of variant classification. Additional details can be found in publication PMID: 35346344, PMCID: PMC8962531

Blueprint Genetics
Classification: Likely pathogenic for FBN1-related disorders. Last evaluated: 2022-07-01. Review status: criteria provided, single submitter. Criteria: ACMG Guidelines, 2015. Collection method: clinical testing. Allele origin: germline. Affected: yes. Observed: 1 variant allele. Not counted in ClinVar's aggregate classification.

Women's Health and Genetics/Laboratory Corporation of America, LabCorp
Classification: Likely pathogenic for Marfan Syndrome/Loeys-Dietz Syndrome/Familial Thoracic Aortic Aneurysms and Dissections. Last evaluated: 2022-04-09. Review status: criteria provided, single submitter. Criteria: LabCorp Variant Classification Summary - May 2015. Collection method: clinical testing. Allele origin: germline. Not counted in ClinVar's aggregate classification.
Comment: Variant summary: FBN1 c.5885A>G (p.Tyr1962Cys) results in a non-conservative amino acid change located in the EGF-like domain (IPR000742) of the encoded protein sequence. The sulfhydryl group of cysteine is unique in its ability to participate in disulfide covalent cross-linkage. In fact, two-thirds of fibrillin cysteine residues exist in the half-cystinyl form, suggesting their participation in intramolecular disulfide linkage (Dietz_1992). Therefore, the substitution by a cysteine may disrupt the structure of the FBN1 protein, affecting its function. Missense affecting/creating cysteine residues are one of the criteria for a causal FBN1 mutation according to the Ghent criteria for diagnosis of Marfan syndrome (Loeys_2010). Five of five in-silico tools predict a damaging effect of the variant on protein function. The variant was absent in 250868 control chromosomes. c.5885A>G has been reported in the literature in individuals affected with Marfan Syndrome (example, Somers_2016, Gezdirici_2021). These data indicate that the variant is likely to be associated with disease. To our knowledge, no experimental evidence demonstrating an impact on protein function has been reported. Two clinical diagnostic laboratories have submitted clinical-significance assessments for this variant to ClinVar after 2014 without evidence for independent evaluation. One laboratory classified the variant as likely pathogenic and one laboratory classified the variant as uncertain significance. Based on the evidence outlined above, the variant was classified as likely pathogenic.

Baylor Genetics
Classification: Uncertain significance for Weill-Marchesani syndrome 2, dominant. Last evaluated: 2018-06-19. Review status: criteria provided, single submitter. Criteria: ACMG Guidelines, 2015. Collection method: clinical testing. Allele origin: paternal. Affected: yes. Not counted in ClinVar's aggregate classification.
Comment: This variant was determined to be of uncertain significance according to ACMG Guidelines, 2015 [PMID:25741868].

Literature cited by the submitters: PubMed 15161917 (cited by Ambry Genetics); PubMed 16571647 (cited by Ambry Genetics); PubMed 17701892 (cited by Ambry Genetics); PubMed 27112580 (cited by 5 submitters); PubMed 33483584 (cited by 4 submitters); PubMed 4750422 (cited by Ambry Genetics); PubMed 31227806 (cited by Color Diagnostics, LLC DBA Color Health); PubMed 33483583 (cited by All of Us Research Program, National Institutes of Health).